The following is an entry in ClinVar:

NM_001399.5(EDA):c.803del (p.Gly268fs)

Gene: EDA (ectodysplasin A; plus strand). Cytogenetic location: Xq13.1.
Variant type: Deletion.
Coding change: c.803del on transcript NM_001399.5 (MANE Select); coding-DNA position 803, one base deleted (G; older notation c.803delG).
Protein change: p.Gly268fs; shifts the reading frame from glycine 268.
Molecular consequence: frameshift variant.
Genome position (GRCh38, 1-based): chrX:70,033,407, G deleted; the last of 2 consecutive G bases (chrX:70,033,406-70,033,407); deleting either gives the same sequence. VCF-style (leftmost placement, unchanged base first): chrX-70033405-AG-A. GRCh37 (hg19) VCF-style: chrX-69253255-AG-A.
Other names: c.803del, p.Gly268fs (NM_001005609.2, NM_001440762.1); short protein forms G268fs.
Identifiers: ClinVar variation 4814925 (VCV004814925.1).
Genomic context (GRCh38, chrX:70,033,405, plus strand): 5'-TTGCCTCGATTATTCTGACATGTACTGAGTGACTGCCCTTCTCTCATACTGAGATCTTTC[AG>A]GTGGAGTGCTCAATGACTGGTCTCGCATCACTATGAACCCCAAGGTGTTTAAGCTACATC-3'

ClinVar aggregate classification (germline): Likely pathogenic (1 of 4 stars; one submission).

Conditions:
Hypohidrotic X-linked ectodermal dysplasia (XHED). Also called: ECTODERMAL DYSPLASIA, HYPOHIDROTIC, 1; CST SYNDROME; Christ-Siemans-Touraine syndrome; ECTODERMAL DYSPLASIA 1; Ectodermal Dysplasia 1, Anhidrotic; Anhidrotic ectodermal dysplasia X-linked. Identifiers: Orphanet 181, Orphanet 238468, MedGen C0162359, MONDO:0010585, OMIM 305100.

Submission:

Natera, Inc.
Classification: Likely pathogenic for Christ-Siemens-Touraine syndrome. Last evaluated: 2025-11-21. Review status: criteria provided, single submitter. Criteria: Natera Variant Classification Schema (03/2026). Collection method: clinical testing. Allele origin: germline.
Comment: The c.803del variant in EDA is a frameshift variant predicted to shift the reading frame beginning at codon 268 and leads to a stop codon 12 codons downstream. This variant is expected to result in nonsense mediated decay, truncation, or a dysfunctional protein product. This variant is rare in the general population with a frequency below the threshold expected for the associated phenotype(s). Given the available evidence, this variant is classified as Likely Pathogenic.